The following is an entry in ClinVar:

NM_000492.4(CFTR):c.1664G>T (p.Arg555Ile)

Genes: CFTR (CF transmembrane conductance regulator; plus strand), LOC111674475 (CFTR intron 11 enhancer; plus strand). Cytogenetic location: 7q31.2.
Variant type: single nucleotide variant.
Coding change: c.1664G>T on transcript NM_000492.4 (MANE Select); coding-DNA position 1664, G replaced by T.
Protein change: p.Arg555Ile; replaces arginine 555 with isoleucine.
Molecular consequence: missense variant.
Genome position (GRCh38, 1-based): chr7:117,587,818, G>T. VCF-style: chr7-117587818-G-T. GRCh37 (hg19) VCF-style: chr7-117227872-G-T.
Other names: short protein forms R555I.
Identifiers: ClinVar variation 3832564 (VCV003832564.1).
Genomic context (GRCh38, chr7:117,587,818, plus strand): 5'-AGAAAGACAATATAGTTCTTGGAGAAGGTGGAATCACACTGAGTGGAGGTCAACGAGCAA[G>T]AATTTCTTTAGCAAGGTGAATAACTAATTATTGGTCTAGCAAGCATTTGCTGTAAATGTC-3'
Protein context (NP_000483.3, residues 545-565): GITLSGGQRA[Arg555Ile]ISLARAVYKD

ClinVar aggregate classification (germline): Uncertain significance (1 of 4 stars; one submission).

Conditions:
Cystic fibrosis (CF). Also called: MUCOVISCIDOSIS. Identifiers: Orphanet 586, MedGen C0010674, MONDO:0009061, OMIM 219700. Disease mechanism: loss of function.

Submission:

Ambry Genetics
Classification: Uncertain significance for Cystic fibrosis. Last evaluated: 2024-12-28. Review status: criteria provided, single submitter. Criteria: Ambry Variant Classification Scheme 2023. Collection method: clinical testing. Allele origin: germline.
Comment: The p.R555I variant (also known as c.1664G>T), located in coding exon 12 of the CFTR gene, results from a G to T substitution at nucleotide position 1664. The arginine at codon 555 is replaced by isoleucine, an amino acid with similar properties. This amino acid position is conserved. In addition, this alteration is predicted to be deleterious by in silico analysis. Based on the available evidence, the clinical significance of this variant remains unclear.